The following is an entry in ClinVar:

NM_017449.5(EPHB2):c.568G>A (p.Val190Met)

Gene: EPHB2 (EPH receptor B2; plus strand). Cytogenetic location: 1p36.12.
Variant type: single nucleotide variant.
Coding change: c.568G>A on transcript NM_017449.5 (MANE Select); coding-DNA position 568, G replaced by A.
Protein change: p.Val190Met; replaces valine 190 with methionine.
Molecular consequence: missense variant.
Genome position (GRCh38, 1-based): chr1:22,784,833, G>A. VCF-style: chr1-22784833-G-A. GRCh37 (hg19) VCF-style: chr1-23111326-G-A.
Other names: c.568G>A, p.Val190Met (NM_001309192.2, NM_001309193.2, NM_004442.7); short protein forms V190M.
Identifiers: ClinVar variation 4986484 (VCV004986484.1).
Genomic context (GRCh38, chr1:22,784,833, plus strand): 5'-TCCCGCAGCGGCTTCTACCTGGCCTTCCAGGACTATGGCGGCTGCATGTCCCTCATCGCC[G>A]TGCGTGTCTTCTACCGCAAGTGCCCCCGCATCATCCAGAATGGCGCCATCTTCCAGGAAA-3'
Protein context (NP_059145.2, residues 180-200): DYGGCMSLIA[Val190Met]RVFYRKCPRI

ClinVar aggregate classification (germline): Uncertain significance (1 of 4 stars; one submission).

Conditions:
EPHB2-related disorder. Also called: EPHB2-related condition.

gnomAD v4.1: 18 of 1,604,984 alleles (0.0011%); highest among the groups gnomAD compares: East Asian, 0.0022%; no homozygotes.

Submission:

PreventionGenetics, part of Exact Sciences
Classification: Uncertain significance for EPHB2-related condition. Last evaluated: 2024-12-12. Review status: criteria provided, single submitter. Criteria: ACMG Guidelines, 2015. Collection method: clinical testing. Allele origin: germline.
Comment: The EPHB2 c.568G>A variant is predicted to result in the amino acid substitution p.Val190Met. To our knowledge, this variant has not been reported in the literature. This variant is reported in 0.00090% of alleles in individuals of European (Non-Finnish) descent in gnomAD. At this time, the clinical significance of this variant is uncertain due to the absence of conclusive functional and genetic evidence.